The following is an entry in ClinVar:

ClinVar aggregate classification (germline): Uncertain significance (1 of 4 stars; one submission).

Submission:

Labcorp Genetics (formerly Invitae), Labcorp
Classification: Uncertain significance. Last evaluated: 2020-06-16. Review status: criteria provided, single submitter. Criteria: Invitae Variant Classification Sherloc (09022015). Collection method: clinical testing. Allele origin: germline.
Comment: This variant results in a copy number gain of the genomic region encompassing exons 1-5 of the FAM20C gene, which includes the initiator codon. The 5' end of this event is unknown as it extends beyond the assayed region for this gene and therefore may encompass additional genes. The 3' boundary is likely confined to intron 5 of the FAM20C gene. As the precise location of this event is unknown, it may be in tandem or it may be located elsewhere in the genome. This variant has not been reported in the literature in individuals with FAM20C-related conditions. Experimental studies and prediction algorithms are not available or were not evaluated, and the functional significance of this variant is currently unknown. In summary, the available evidence is currently insufficient to determine the role of this variant in disease. Therefore, it has been classified as a Variant of Uncertain Significance.

NC_000007.13:g.(?_193200)_(288396_?)dup

Gene: FAM20C (FAM20C golgi associated secretory pathway kinase; plus strand). Cytogenetic location: 7p22.3.
Variant type: Duplication.
Identifiers: ClinVar variation 1025143 (VCV001025143.5).